The following is an entry in ClinVar:

ClinVar aggregate classification (germline): Pathogenic (1 of 4 stars; one submission).

Submission:

GeneDx
Classification: Pathogenic. Last evaluated: 2021-01-05. Review status: criteria provided, single submitter. Criteria: GeneDx Variant Classification Process June 2021. Collection method: clinical testing. Allele origin: germline. Affected: yes.
Comment: Frameshift variant predicted to result in protein truncation or nonsense mediated decay in a gene for which loss-of-function is a known mechanism of disease; Not observed in large population cohorts (Lek et al., 2016); Has not been previously published as pathogenic or benign to our knowledge

NM_001256627.2(BRSK2):c.902_906dup (p.Leu303fs)

Gene: BRSK2 (BR serine/threonine kinase 2; plus strand). Cytogenetic location: 11p15.5.
Variant type: Duplication.
Coding change: c.902_906dup on transcript NM_001256627.2 (MANE Select); coding-DNA positions 902 to 906, 5 bases duplicated (ACGTG; older notation c.902_906dupACGTG).
Protein change: p.Leu303fs; shifts the reading frame from leucine 303.
Molecular consequence: frameshift variant. On other transcripts: non-coding transcript variant (1).
Genome position (GRCh38, 1-based): chr11:1,445,383-1,445,387, ACGTG duplicated; duplicating any 5 consecutive bases within chr11:1,445,382-1,445,387 gives the same sequence; the c. name uses the placement nearest the transcript's 3' end. VCF-style (leftmost placement, unchanged base first): chr11-1445381-C-CGACGT. GRCh37 (hg19) VCF-style: chr11-1466611-C-CGACGT.
Other names: c.902_906dupACGTG (NM_001256627.1); c.902_906dup, p.Leu303fs (NM_001256629.2, NM_003957.4); c.1040_1044dup, p.Leu349fs (NM_001256630.1); c.722_726dup, p.Leu243fs (NM_001282218.2); short protein forms L243fs, L303fs, L349fs.
Identifiers: ClinVar variation 503810 (VCV000503810.3), dbSNP rs1554906003, ClinGen allele CA658797564.